The following is an entry in ClinVar:

ClinVar aggregate classification (germline): Pathogenic (1 of 4 stars; one submission).

Conditions:
Fanconi anemia complementation group O. Also called: RAD51C-Related Fanconi Anemia. Identifiers: Orphanet 84, MedGen C3150653, MONDO:0013248, OMIM 613390.

Submission:

Labcorp Genetics (formerly Invitae), Labcorp
Classification: Pathogenic for Fanconi anemia complementation group O. Last evaluated: 2022-01-23. Review status: criteria provided, single submitter. Criteria: Invitae Variant Classification Sherloc (09022015). Collection method: clinical testing. Allele origin: germline.
Comment: For these reasons, this variant has been classified as Pathogenic. This variant has not been reported in the literature in individuals affected with RAD51C-related conditions. This variant is not present in population databases (gnomAD no frequency). This sequence change creates a premature translational stop signal (p.Glu122Trpfs*30) in the RAD51C gene. It is expected to result in an absent or disrupted protein product. Loss-of-function variants in RAD51C are known to be pathogenic (PMID: 20400964, 21990120, 24800917).

Literature cited by the submitters: PubMed 20400964; PubMed 21990120; PubMed 24800917.

NM_058216.3(RAD51C):c.363_370del (p.Glu122fs)

Gene: RAD51C (RAD51 paralog C; plus strand). Cytogenetic location: 17q22.
Variant type: Deletion.
Coding change: c.363_370del on transcript NM_058216.3 (MANE Select); coding-DNA positions 363 to 370, 8 bases deleted (AGAAATTT; older notation c.363_370delAGAAATTT).
Protein change: p.Glu122fs; shifts the reading frame from glutamic acid 122.
Molecular consequence: frameshift variant. On other transcripts: non-coding transcript variant (2).
Genome position (GRCh38, 1-based): chr17:58,695,148-58,695,155, AGAAATTT deleted. VCF-style (leftmost placement, unchanged base first): chr17-58695147-CAGAAATTT-C. GRCh37 (hg19) VCF-style: chr17-56772508-CAGAAATTT-C.
Other names: c.363_370del, p.Glu122fs (NM_002876.4); short protein forms E122fs.
Identifiers: ClinVar variation 2717372 (VCV002717372.3), dbSNP rs2509275974, ClinGen allele CA2697560117.
Genomic context (GRCh38, chr17:58,695,147, plus strand): 5'-TCACCTTCTGTTCAGCACTAGATGATATTCTTGGGGGTGGAGTGCCCTTAATGAAAACAA[CAGAAATTT>C]GTGGTGCACCAGGTGTTGGAAAAACACAATTATGGTAAAATAAAGTGTTCTCCTTTTAAG-3'